The following is an entry in ClinVar:

NM_001303256.3(MORC2):c.713G>T (p.Arg238Leu)

Gene: MORC2 (MORC family CW-type zinc finger 2; minus strand). Cytogenetic location: 22q12.2.
Variant type: single nucleotide variant.
Coding change: c.713G>T on transcript NM_001303256.3 (MANE Select); coding-DNA position 713, G replaced by T.
Protein change: p.Arg238Leu; replaces arginine 238 with leucine.
Molecular consequence: missense variant.
Genome position (GRCh38, 1-based): chr22:30,941,544, C>A on the plus strand (G>T on the coding strand, the complement: MORC2 is on the minus strand). VCF-style: chr22-30941544-C-A. GRCh37 (hg19) VCF-style: chr22-31337531-C-A.
Other names: c.713G>T, p.Arg238Leu (NM_001303257.2); c.527G>T, p.Arg176Leu (NM_014941.3); short protein forms R176L, R238L.
Identifiers: ClinVar variation 1064144 (VCV001064144.9), dbSNP rs367766290, ClinGen allele CA10187178.

ClinVar aggregate classification (germline): Uncertain significance (1 of 4 stars; one submission).

Conditions:
Charcot-Marie-Tooth disease axonal type 2Z. Also called: CHARCOT-MARIE-TOOTH DISEASE, AXONAL, AUTOSOMAL DOMINANT, TYPE 2Z; CHARCOT-MARIE-TOOTH NEUROPATHY, TYPE 2Z. Identifiers: Orphanet 466768, MedGen C5569025, MONDO:0014736, OMIM 616688.

Allele frequency attached by ClinVar (database versions not stated): ESP Exome Variant Server 0.00008.
gnomAD v4.1: 13 of 1,613,272 alleles (0.00081%); highest among the groups gnomAD compares: South Asian, 0.0011%; no homozygotes.

Submission:

Labcorp Genetics (formerly Invitae), Labcorp
Classification: Uncertain significance for Charcot-Marie-Tooth disease axonal type 2Z. Last evaluated: 2022-12-22. Review status: criteria provided, single submitter. Criteria: Invitae Variant Classification Sherloc (09022015). Collection method: clinical testing. Allele origin: germline.
Comment: This variant is present in population databases (rs367766290, gnomAD 0.003%). This sequence change replaces arginine, which is basic and polar, with leucine, which is neutral and non-polar, at codon 238 of the MORC2 protein (p.Arg238Leu). This variant has not been reported in the literature in individuals affected with MORC2-related conditions. ClinVar contains an entry for this variant (Variation ID: 1064144). Advanced modeling of protein sequence and biophysical properties (such as structural, functional, and spatial information, amino acid conservation, physicochemical variation, residue mobility, and thermodynamic stability) performed at Invitae indicates that this missense variant is expected to disrupt MORC2 protein function. In summary, the available evidence is currently insufficient to determine the role of this variant in disease. Therefore, it has been classified as a Variant of Uncertain Significance.